The following is an entry in ClinVar:

NM_000053.4(ATP7B):c.2302C>G (p.Pro768Ala)

Gene: ATP7B (ATPase copper transporting beta; minus strand). Cytogenetic location: 13q14.3.
Variant type: single nucleotide variant.
Coding change: c.2302C>G on transcript NM_000053.4 (MANE Select); coding-DNA position 2302, C replaced by G.
Protein change: p.Pro768Ala; replaces proline 768 with alanine.
Molecular consequence: missense variant. On other transcripts: intron variant (14).
Genome position (GRCh38, 1-based): chr13:51,958,364, G>C on the plus strand (C>G on the coding strand, the complement: ATP7B is on the minus strand). VCF-style: chr13-51958364-G-C. GRCh37 (hg19) VCF-style: chr13-52532500-G-C.
Other names: c.2206C>G, p.Pro736Ala (NM_001406517.1, NM_001406518.1); c.2302C>G, p.Pro768Ala (NM_001406519.1, NM_001406523.1, NM_001406525.1 and 7 more transcripts); c.2158C>G, p.Pro720Ala (NM_001406520.1, NM_001406521.1, NM_001406522.1 and 1 more transcripts); c.2125C>G, p.Pro709Ala (NM_001406524.1); c.2062C>G, p.Pro688Ala (NM_001406530.1); c.2050C>G, p.Pro684Ala (NM_001406531.1, NM_001406532.1, NM_001406540.1 and 1 more transcripts); c.1873C>G, p.Pro625Ala (NM_001406539.1); c.1954C>G, p.Pro652Ala (NM_001406543.1); and 8 more; short protein forms P625A, P652A, P657A, P684A, P688A, P709A, P720A, P736A.
Identifiers: ClinVar variation 3075614 (VCV003075614.1), dbSNP rs2547714962, ClinGen allele CA388021785.
Genomic context (GRCh38, chr13:51,958,364, plus strand): 5'-CTGTTACCTTTGCCAAGTGTTCCAGCCACCGGCCCAGGGCAATGAACACAAAGAGCATGG[G>C]GGGCGTGTCGAAGAATGTCACAGGGCTCCTCTCCGCCTTCTCAGCCACAGCAACCACCAG-3'
Protein context (NP_000044.2, residues 758-778): RSPVTFFDTP[Pro768Ala]MLFVFIALGR

ClinVar aggregate classification (germline): Uncertain significance (1 of 4 stars; one submission).

Conditions:
Wilson disease (WND). Also called: Wilson's disease. Identifiers: Orphanet 905, MedGen C0019202, MONDO:0010200, OMIM 277900. Disease mechanism: loss of function.

Allele frequency attached by ClinVar (database versions not stated): gnomAD exomes below 0.00001.
gnomAD v4.1: 1 of 1,614,220 alleles (0.000062%); highest among the groups gnomAD compares: Non-Finnish European, 0.000085%; no homozygotes.

Submission:

All of Us Research Program, National Institutes of Health
Classification: Uncertain significance for Wilson disease. Last evaluated: 2023-06-26. Review status: criteria provided, single submitter. Criteria: ACMG Guidelines, 2015. Collection method: clinical testing. Allele origin: germline. Inheritance: Autosomal recessive inheritance. Observed: 1 variant allele, 1 heterozygote.
Comment: This missense variant replaces proline with alanine at codon 768 of the ATP7B protein. Computational prediction suggests that this variant may have deleterious impact on protein structure and function (internally defined REVEL score threshold >= 0.7, PMID: 27666373). To our knowledge, functional studies have not been reported for this variant. This variant has not been reported in individuals affected with Wilson disease in the literature. This variant has not been identified in the general population by the Genome Aggregation Database (gnomAD). The available evidence is insufficient to determine the role of this variant in disease conclusively. Therefore, this variant is classified as a Variant of Uncertain Significance.

This study involves interpretation of variants in research participants for the purpose of population health screening. Participant phenotype was not available at the time of variant classification. Additional details can be found in publication PMID: 35346344, PMCID: PMC8962531